The following is an entry in ClinVar:

ClinVar aggregate classification (germline): Uncertain significance (0 of 4 stars; one submission).

Conditions:
BAZ2B-related disorder. Also called: BAZ2B-related condition.

Submission:

PreventionGenetics, part of Exact Sciences
Classification: Uncertain significance for BAZ2B-related condition. Last evaluated: 2024-08-26. Review status: no assertion criteria provided. Collection method: clinical testing. Allele origin: germline.
Comment: The BAZ2B c.3575T>A variant is predicted to result in the amino acid substitution p.Val1192Asp. To our knowledge, this variant has not been reported in the literature or in a large population database, indicating this variant is rare. At this time, the clinical significance of this variant is uncertain due to the absence of conclusive functional and genetic evidence.

NM_013450.4(BAZ2B):c.3683T>A (p.Val1228Asp)

Gene: BAZ2B (bromodomain adjacent to zinc finger domain 2B; minus strand). Cytogenetic location: 2q24.2.
Variant type: single nucleotide variant.
Coding change: c.3683T>A on transcript NM_013450.4 (MANE Select); coding-DNA position 3683, T replaced by A.
Protein change: p.Val1228Asp; replaces valine 1228 with aspartic acid.
Molecular consequence: missense variant.
Genome position (GRCh38, 1-based): chr2:159,385,158, A>T on the plus strand (T>A on the coding strand, the complement: BAZ2B is on the minus strand). VCF-style: chr2-159385158-A-T. GRCh37 (hg19) VCF-style: chr2-160241669-A-T.
Other names: c.3575T>A, p.Val1192Asp (NM_001289975.1); c.3521T>A, p.Val1174Asp (NM_001329857.2); c.3608T>A, p.Val1203Asp (NM_001329858.2); short protein forms V1174D, V1192D, V1203D, V1228D.
Identifiers: ClinVar variation 3347779 (VCV003347779.1).